The following is an entry in ClinVar:

NM_014141.6(CNTNAP2):c.2650C>T (p.Arg884Trp)

Gene: CNTNAP2 (contactin associated protein 2; plus strand). Cytogenetic location: 7q35.
Variant type: single nucleotide variant.
Coding change: c.2650C>T on transcript NM_014141.6 (MANE Select); coding-DNA position 2650, C replaced by T.
Protein change: p.Arg884Trp; replaces arginine 884 with tryptophan.
Molecular consequence: missense variant.
Genome position (GRCh38, 1-based): chr7:148,147,586, C>T. VCF-style: chr7-148147586-C-T. GRCh37 (hg19) VCF-style: chr7-147844678-C-T.
Other names: p.R884W:CGG>TGG; short protein forms R884W.
Identifiers: ClinVar variation 205270 (VCV000205270.7), dbSNP rs373383452, ClinGen allele CA314174.

ClinVar aggregate classification (germline): Uncertain significance. Review status: criteria provided, multiple submitters, no conflicts (2 of 4 stars). 2 submissions from 2 submitters: Uncertain significance (2). Last evaluated 2021-08-28.

Conditions:
Cortical dysplasia-focal epilepsy syndrome (PTHSL1). Also called: Pitt-Hopkins-like syndrome 1. Identifiers: Orphanet 163681, Orphanet 221150, MedGen C2750246, MONDO:0012400, OMIM 610042.

Allele frequency attached by ClinVar (database versions not stated): ExAC 0.00001; gnomAD 0.00001; gnomAD exomes 0.00001; TOPMed 0.00001; ESP Exome Variant Server 0.00008.

Submissions (2):

Labcorp Genetics (formerly Invitae), Labcorp
Classification: Uncertain significance for Cortical dysplasia-focal epilepsy syndrome. Last evaluated: 2021-08-28. Review status: criteria provided, single submitter. Criteria: Invitae Variant Classification Sherloc (09022015). Collection method: clinical testing. Allele origin: germline.
Comment: This sequence change replaces arginine with tryptophan at codon 884 of the CNTNAP2 protein (p.Arg884Trp). The arginine residue is highly conserved and there is a moderate physicochemical difference between arginine and tryptophan. This variant is present in population databases (rs373383452, ExAC 0.001%). This variant has not been reported in the literature in individuals affected with CNTNAP2-related conditions. ClinVar contains an entry for this variant (Variation ID: 205270). Algorithms developed to predict the effect of missense changes on protein structure and function (SIFT, PolyPhen-2, Align-GVGD) all suggest that this variant is likely to be disruptive. In summary, the available evidence is currently insufficient to determine the role of this variant in disease. Therefore, it has been classified as a Variant of Uncertain Significance.

GeneDx
Classification: Uncertain significance. Last evaluated: 2013-01-11. Review status: criteria provided, single submitter. Criteria: GeneDx Variant Classification (06012015). Collection method: clinical testing. Allele origin: germline. Affected: yes.
Comment: p.Arg884Trp (CGG>TGG): c.2650 C>T in exon 17 of the CNTNAP2 gene (NM_014141.4). The Arg884Trp missense change has not been published as a mutation, nor has it been reported as a benign polymorphism to our knowledge. The amino acid substitution is non-conservative, as a positively charged Arginine residue is replaced by an uncharged, non-polar Tryptophan residue. It alters a conserved position in the third laminin G-like domain; however, missense mutations have not been reported in this region of the gene in association with epilepsy. Multiple in silico algorithms predict Arg884Trp may be damaging to protein structure/function, although another model suggests it may be benign. Therefore, based on the currently available information, it is unclear whether Arg884Trp is a disease-causing mutation or a rare benign variant. The variant is found in INFANT-EPI panel(s).